The following is an entry in ClinVar:

NM_006005.3(WFS1):c.848C>T (p.Pro283Leu)

Gene: WFS1 (wolframin ER transmembrane glycoprotein; plus strand). Cytogenetic location: 4p16.1.
Variant type: single nucleotide variant.
Coding change: c.848C>T on transcript NM_006005.3 (MANE Select); coding-DNA position 848, C replaced by T.
Protein change: p.Pro283Leu; replaces proline 283 with leucine.
Molecular consequence: missense variant.
Genome position (GRCh38, 1-based): chr4:6,295,176, C>T. VCF-style: chr4-6295176-C-T. GRCh37 (hg19) VCF-style: chr4-6296903-C-T.
Other names: c.848C>T, p.Pro283Leu (NM_001145853.1); short protein forms P283L.
Identifiers: ClinVar variation 1698178 (VCV001698178.2), dbSNP rs1560413176, ClinGen allele CA356172665.

ClinVar aggregate classification (germline): Uncertain significance (1 of 4 stars; one submission).

Allele frequency attached by ClinVar (database versions not stated): gnomAD exomes below 0.00001.
gnomAD v4.1: 2 of 1,611,892 alleles (0.00012%); highest among the groups gnomAD compares: African/African-American, 0.0013%; no homozygotes.

Submission:

GeneDx
Classification: Uncertain significance. Last evaluated: 2022-01-18. Review status: criteria provided, single submitter. Criteria: GeneDx Variant Classification Process June 2021. Collection method: clinical testing. Allele origin: germline. Affected: yes.
Comment: In silico analysis supports that this missense variant has a deleterious effect on protein structure/function; Has not been previously published as pathogenic or benign to our knowledge